The following is an entry in ClinVar:

ClinVar aggregate classification (germline): Likely pathogenic (1 of 4 stars; one submission).

Conditions:
Intellectual developmental disorder, autosomal dominant 66. Also called: MENTAL RETARDATION, AUTOSOMAL DOMINANT 66. Identifiers: MedGen C5677000, MONDO:0030891, OMIM 619910.

Submission:

Victorian Clinical Genetics Services, Murdoch Childrens Research Institute
Classification: Likely pathogenic for Intellectual developmental disorder, autosomal dominant 66. Last evaluated: 2024-10-09. Review status: criteria provided, single submitter. Criteria: ACMG Guidelines, 2015. Collection method: clinical testing. Allele origin: germline. Inheritance: Autosomal dominant inheritance. Affected: yes.
Comment: Based on the classification scheme VCGS_Germline_v1.3.4, this variant is classified as Likely pathogenic. Following criteria are met: 0102 - Loss of function is a known mechanism of disease in this gene and is associated with intellectual developmental disorder, autosomal dominant 66 (MIM#619910; PMID: 35358416). (I) 0107 - This gene is associated with autosomal dominant disease. (I) 0115 - Variants in this gene are known to have variable expressivity (OMIM). (I) 0200 - Variant is predicted to result in a missense amino acid change from alanine to valine. (I) 0251 - This variant is heterozygous. (I) 0301 - Variant is absent from gnomAD (both v2 and v3). (SP) 0502 - Missense variant with conflicting in silico predictions and uninformative conservation. (I) 0603 - Missense variant in a region that is highly intolerant to missense variation (high constraint region in DECIPHER). (SP) 0705 - No comparable missense variants have previous evidence for pathogenicity. (I) 0807 - This variant has no previous evidence of pathogenicity. (I) 0905 - No published segregation evidence has been identified for this variant. (I) 1007 - No published functional evidence has been identified for this variant. (SP) Legend: (SP) - Supporting pathogenic, (I) - Information, (SB) - Supporting benign

Literature cited by the submitters: PubMed 35358416.

NM_001366521.1(ATP2B1):c.3215C>T (p.Ala1072Val)

Gene: ATP2B1 (ATPase plasma membrane Ca2+ transporting 1; minus strand). Cytogenetic location: 12q21.33.
Variant type: single nucleotide variant.
Coding change: c.3215C>T on transcript NM_001366521.1 (MANE Select); coding-DNA position 3215, C replaced by T.
Protein change: p.Ala1072Val; replaces alanine 1072 with valine.
Molecular consequence: missense variant. On other transcripts: non-coding transcript variant (3).
Genome position (GRCh38, 1-based): chr12:89,599,253, G>A on the plus strand (C>T on the coding strand, the complement: ATP2B1 is on the minus strand). VCF-style: chr12-89599253-G-A. GRCh37 (hg19) VCF-style: chr12-89993030-G-A.
Other names: c.3215C>T, p.Ala1072Val (NM_001001323.2, NM_001366520.1, NM_001366522.1 and 8 more transcripts); c.3107C>T, p.Ala1036Val (NM_001366528.1, NM_001366529.1, NM_001413049.1 and 1 more transcripts); c.3017C>T, p.Ala1006Val (NM_001366530.1, NM_001413053.1); c.2654C>T, p.Ala885Val (NM_001366531.1, NM_001366532.1, NM_001413058.1 and 2 more transcripts); c.3176C>T, p.Ala1059Val (NM_001413048.1); c.3074C>T, p.Ala1025Val (NM_001413051.1, NM_001413052.1); c.2972C>T, p.Ala991Val (NM_001413054.1); c.2966C>T, p.Ala989Val (NM_001413055.1); and 2 more; short protein forms A1006V, A1025V, A1036V, A1059V, A1072V, A885V, A921V, A987V.
Identifiers: ClinVar variation 3377235 (VCV003377235.1).